The following is an entry in ClinVar:

ClinVar aggregate classification (germline): Uncertain significance (1 of 4 stars; one submission).

Conditions:
NIK deficiency. Also called: Primary immunodeficiency with multifaceted aberrant lymphoid immunity. Identifiers: Orphanet 447731, MedGen C5680065, MONDO:0018642.

gnomAD v4.1: 1 of 1,614,058 alleles (0.000062%); highest among the groups gnomAD compares: Non-Finnish European, 0.000085%; no homozygotes.

Submission:

Labcorp Genetics (formerly Invitae), Labcorp
Classification: Uncertain significance for NIK deficiency. Last evaluated: 2020-07-21. Review status: criteria provided, single submitter. Criteria: Invitae Variant Classification Sherloc (09022015). Collection method: clinical testing. Allele origin: germline.
Comment: In summary, the available evidence is currently insufficient to determine the role of this variant in disease. Therefore, it has been classified as a Variant of Uncertain Significance. The current clinical and genetic evidence is not sufficient to establish whether loss-of-function variants in MAP3K14 cause disease. Experimental studies and prediction algorithms are not available or were not evaluated, and the functional significance of this variant is currently unknown. This variant has not been reported in the literature in individuals with MAP3K14-related conditions. This variant is not present in population databases (ExAC no frequency). This sequence change creates a premature translational stop signal (p.Arg223*) in the MAP3K14 gene. It is expected to result in an absent or disrupted protein product.

NM_003954.5(MAP3K14):c.667C>T (p.Arg223Ter)

Gene: MAP3K14 (mitogen-activated protein kinase kinase kinase 14; minus strand). Cytogenetic location: 17q21.31.
Variant type: single nucleotide variant.
Coding change: c.667C>T on transcript NM_003954.5 (MANE Select); coding-DNA position 667, C replaced by T.
Protein change: p.Arg223Ter; replaces arginine 223 with a stop codon.
Molecular consequence: nonsense.
Genome position (GRCh38, 1-based): chr17:45,286,916, G>A on the plus strand (C>T on the coding strand, the complement: MAP3K14 is on the minus strand). VCF-style: chr17-45286916-G-A. GRCh37 (hg19) VCF-style: chr17-43364283-G-A.
Other names: short protein forms R223*.
Identifiers: ClinVar variation 933671 (VCV000933671.8), dbSNP rs2044270748, ClinGen allele CA399889175.
Genomic context (GRCh38, chr17:45,286,916, plus strand): 5'-GCAGTTTCCACACGTGGTTCAGACATTGCAAGGGGCTGATCAGTTTGTGGAGTTCTGATC[G>A]AGGCAGAGCCGGCCGTAGGCCCTCGCCAAGCTGCTTAAAACAGAGTTGCCCAAGGCCTGG-3'